The following is an entry in ClinVar:

ClinVar aggregate classification (germline): Uncertain significance. Review status: criteria provided, multiple submitters, no conflicts (2 of 4 stars). 2 submissions from 2 submitters: Uncertain significance (2). Last evaluated 2025-07-15.

Conditions:
Immunodeficiency 51 (IMD51). Also called: CANDIDIASIS, FAMILIAL, 5. Identifiers: Orphanet 1334, MedGen C4310803, MONDO:0013500, OMIM 613953.

Allele frequency attached by ClinVar (database versions not stated): ExAC 0.00003; gnomAD 0.00003; gnomAD exomes 0.00003 and 0.00004; TOPMed 0.00003; ESP Exome Variant Server 0.00008.
gnomAD v4.1: 56 of 1,604,476 alleles (0.0035%); highest among the groups gnomAD compares: Non-Finnish European, 0.0047%; no homozygotes.

Submissions (2):

Ambry Genetics
Classification: Uncertain significance. Last evaluated: 2025-07-15. Review status: criteria provided, single submitter. Criteria: Ambry Variant Classification Scheme 2023. Collection method: clinical testing. Allele origin: germline.

Labcorp Genetics (formerly Invitae), Labcorp
Classification: Uncertain significance for Immunodeficiency 51. Last evaluated: 2022-08-15. Review status: criteria provided, single submitter. Criteria: Invitae Variant Classification Sherloc (09022015). Collection method: clinical testing. Allele origin: germline.
Comment: This sequence change replaces glycine, which is neutral and non-polar, with aspartic acid, which is acidic and polar, at codon 460 of the IL17RA protein (p.Gly460Asp). This variant is present in population databases (rs147965632, gnomAD 0.007%). This variant has not been reported in the literature in individuals affected with IL17RA-related conditions. ClinVar contains an entry for this variant (Variation ID: 1004250). Algorithms developed to predict the effect of missense changes on protein structure and function are either unavailable or do not agree on the potential impact of this missense change (SIFT: "Deleterious"; PolyPhen-2: "Possibly Damaging"; Align-GVGD: "Class C15"). In summary, the available evidence is currently insufficient to determine the role of this variant in disease. Therefore, it has been classified as a Variant of Uncertain Significance.

NM_014339.7(IL17RA):c.1379G>A (p.Gly460Asp)

Gene: IL17RA (interleukin 17 receptor A; plus strand). Cytogenetic location: 22q11.1.
Variant type: single nucleotide variant.
Coding change: c.1379G>A on transcript NM_014339.7 (MANE Select); coding-DNA position 1379, G replaced by A.
Protein change: p.Gly460Asp; replaces glycine 460 with aspartic acid.
Molecular consequence: missense variant.
Genome position (GRCh38, 1-based): chr22:17,108,598, G>A. VCF-style: chr22-17108598-G-A. GRCh37 (hg19) VCF-style: chr22-17589488-G-A.
Other names: c.1277G>A, p.Gly426Asp (NM_001289905.2); c.1379G>A (NM_014339.5); short protein forms G426D, G460D.
Identifiers: ClinVar variation 1004250 (VCV001004250.5), dbSNP rs147965632, ClinGen allele CA10086730.